The following is an entry in ClinVar:

NC_000007.14:g.(?_124840963)_(124842973_?)del

Gene: POT1 (protection of telomeres 1; minus strand). Cytogenetic location: 7q31.33.
Variant type: Deletion.
Identifiers: ClinVar variation 830962 (VCV000830962.7).

ClinVar aggregate classification (germline): Uncertain significance (1 of 4 stars; one submission).

Conditions:
Tumor predisposition syndrome 3 (TPDS3). Also called: Glioma susceptibility 9; LONG TELOMERE SYNDROME, POT1-RELATED; POT1 Tumor Predisposition; Melanoma, cutaneous malignant, susceptibility to, 10. Identifiers: Orphanet 618, MedGen C4014476, MONDO:0014368, OMIM 615848.

Submission:

Labcorp Genetics (formerly Invitae), Labcorp
Classification: Uncertain significance for Tumor predisposition syndrome 3. Last evaluated: 2022-06-04. Review status: criteria provided, single submitter. Criteria: Invitae Variant Classification Sherloc (09022015). Collection method: clinical testing. Allele origin: germline.
Comment: Experimental studies and prediction algorithms are not available or were not evaluated, and the functional significance of this variant is currently unknown. This variant has not been reported in the literature in individuals affected with POT1-related conditions. This variant is a gross deletion of the genomic region encompassing exon(s) 13-14 of the POT1 gene. This variant would be expected to be in-frame, preserving the integrity of the reading frame. In summary, the available evidence is currently insufficient to determine the role of this variant in disease. Therefore, it has been classified as a Variant of Uncertain Significance.